The following is an entry in ClinVar:

ClinVar aggregate classification (germline): Conflicting classifications of pathogenicity. Review status: criteria provided, conflicting classifications (1 of 4 stars). 3 submissions from 3 submitters: Uncertain significance (1); Likely benign (2). Last evaluated 2026-02-01.

Conditions:
Primary ciliary dyskinesia. Also called: Ciliary dyskinesia. Identifiers: Orphanet 244, MedGen C0008780, MONDO:0016575, HP:0012265.
Primary ciliary dyskinesia 12. Also called: CILIARY DYSKINESIA, PRIMARY, 12, WITHOUT SITUS INVERSUS. Identifiers: Orphanet 244, MedGen C2675228, MONDO:0012979, OMIM 612650.

Allele frequency attached by ClinVar (database versions not stated): gnomAD 0.00020 and 0.00040; gnomAD exomes 0.00023 and 0.00061; TOPMed 0.00043; ExAC 0.00057; 1000 Genomes Project 30x 0.00312; 1000 Genomes Project 0.00319.
gnomAD v4.1: 453 of 1,614,182 alleles (0.028%); highest among the groups gnomAD compares: East Asian, 0.68%; 1 homozygote.

Submissions (3):

Labcorp Genetics (formerly Invitae), Labcorp
Classification: Likely benign for Primary ciliary dyskinesia. Last evaluated: 2026-02-01. Review status: criteria provided, single submitter. Criteria: Invitae Variant Classification Sherloc (09022015). Collection method: clinical testing. Allele origin: germline.

Illumina Laboratory Services, Illumina
Classification: Uncertain significance for Primary ciliary dyskinesia 12. Last evaluated: 2018-01-12. Review status: criteria provided, single submitter. Criteria: ICSL Variant Classification Criteria 13 December 2019. Collection method: clinical testing. Allele origin: germline.

Laboratory for Molecular Medicine, Mass General Brigham Personalized Medicine
Classification: Likely benign. Last evaluated: 2013-02-21. Review status: criteria provided, single submitter. Criteria: LMM Criteria. Collection method: clinical testing. Allele origin: germline. Observed: 1 variant allele.
Comment: Val141Met in exon 3A of RSPH9: This variant is not expected to have clinical sig nificance because it has been identified in 1.5% (3/194) of Han Chinese chromoso mes from a broad population by the 1000 Genomes Project (.gov/projects/SNP; dbSNP rs2295947).

NM_152732.5(RSPH9):c.421G>A (p.Val141Met)

Gene: RSPH9 (radial spoke head component 9; plus strand). Cytogenetic location: 6p21.1.
Variant type: single nucleotide variant.
Coding change: c.421G>A on transcript NM_152732.5 (MANE Select); coding-DNA position 421, G replaced by A.
Protein change: p.Val141Met; replaces valine 141 with methionine.
Molecular consequence: missense variant. On other transcripts: non-coding transcript variant (2), intron variant (2).
Genome position (GRCh38, 1-based): chr6:43,655,589, G>A. VCF-style: chr6-43655589-G-A. GRCh37 (hg19) VCF-style: chr6-43623326-G-A.
Other names: c.421G>A, p.Val141Met (NM_001424119.1, NM_001424121.1); c.394-18G>A (NM_001193341.2, NM_001424120.1); short protein forms V141M.
Identifiers: ClinVar variation 165063 (VCV000165063.21), dbSNP rs2295947, ClinGen allele CA177733.